The following is an entry in ClinVar:

NM_001012339.3(DNAJC21):c.515C>T (p.Thr172Ile)

Gene: DNAJC21 (DnaJ heat shock protein family (Hsp40) member C21; plus strand). Cytogenetic location: 5p13.2.
Variant type: single nucleotide variant.
Coding change: c.515C>T on transcript NM_001012339.3 (MANE Select); coding-DNA position 515, C replaced by T.
Protein change: p.Thr172Ile; replaces threonine 172 with isoleucine.
Molecular consequence: missense variant.
Genome position (GRCh38, 1-based): chr5:34,937,402, C>T. VCF-style: chr5-34937402-C-T. GRCh37 (hg19) VCF-style: chr5-34937507-C-T.
Other names: c.515C>T, p.Thr172Ile (NM_001348420.2, NM_194283.4); short protein forms T172I.
Identifiers: ClinVar variation 1985874 (VCV001985874.1), dbSNP rs1385127293, ClinGen allele CA359414530.

ClinVar aggregate classification (germline): Uncertain significance (1 of 4 stars; one submission).

Allele frequency attached by ClinVar (database versions not stated): gnomAD exomes 0.00002; TOPMed 0.00002; gnomAD 0.00003.
gnomAD v4.1: 33 of 1,613,944 alleles (0.002%); highest among the groups gnomAD compares: Non-Finnish European, 0.0027%; no homozygotes.

Submission:

Labcorp Genetics (formerly Invitae), Labcorp
Classification: Uncertain significance. Last evaluated: 2022-04-18. Review status: criteria provided, single submitter. Criteria: Invitae Variant Classification Sherloc (09022015). Collection method: clinical testing. Allele origin: germline.
Comment: This sequence change replaces threonine, which is neutral and polar, with isoleucine, which is neutral and non-polar, at codon 172 of the DNAJC21 protein (p.Thr172Ile). This variant is present in population databases (no rsID available, gnomAD 0.002%). This variant has not been reported in the literature in individuals affected with DNAJC21-related conditions. Algorithms developed to predict the effect of missense changes on protein structure and function are either unavailable or do not agree on the potential impact of this missense change (SIFT: "Tolerated"; PolyPhen-2: "Probably Damaging"; Align-GVGD: "Class C0"). In summary, the available evidence is currently insufficient to determine the role of this variant in disease. Therefore, it has been classified as a Variant of Uncertain Significance.